The following is an entry in ClinVar:

ClinVar aggregate classification (germline): Benign/Likely benign. Review status: criteria provided, multiple submitters, no conflicts (2 of 4 stars). 4 submissions from 4 submitters: Benign (2); Likely benign (1). 1 of the submissions does not count toward it. Last evaluated 2026-01-22.

Conditions:
FBN3-related disorder. Also called: FBN3-related condition.

Allele frequency attached by ClinVar (database versions not stated): 1000 Genomes Project 0.00200; 1000 Genomes Project 30x 0.00250; ESP Exome Variant Server 0.00408; TOPMed 0.00425; gnomAD 0.00621 and 0.00653; gnomAD exomes 0.00643 and 0.00765; ExAC 0.00689.
gnomAD v4.1: 12,051 of 1,612,812 alleles (0.75%); highest among the groups gnomAD compares: Non-Finnish European, 0.83%; 62 homozygotes.

Submissions (4):

Labcorp Genetics (formerly Invitae), Labcorp
Classification: Benign. Last evaluated: 2026-01-22. Review status: criteria provided, single submitter. Criteria: Invitae Variant Classification Sherloc (09022015). Collection method: clinical testing. Allele origin: germline.

CeGaT Center for Human Genetics Tuebingen
Classification: Likely benign. Last evaluated: 2024-07-01. Review status: criteria provided, single submitter. Criteria: CeGaT Center For Human Genetics Tuebingen Variant Classification Criteria Version 2. Collection method: clinical testing. Allele origin: germline. Affected: yes. Observed: 3 variant alleles.
Comment: FBN3: BS2

Breakthrough Genomics
Classification: Benign. Review status: criteria provided, single submitter. Criteria: ACMG Guidelines, 2015. Collection method: not provided. Allele origin: germline. Inheritance: Unknown mechanism. Affected: yes.

PreventionGenetics, part of Exact Sciences
Classification: Benign for FBN3-related condition. Last evaluated: 2019-03-14. Review status: no assertion criteria provided. Collection method: clinical testing. Allele origin: germline. Not counted in ClinVar's aggregate classification.
Comment: This variant is classified as benign based on ACMG/AMP sequence variant interpretation guidelines (Richards et al. 2015 PMID: 25741868, with internal and published modifications).

NM_032447.5(FBN3):c.3875A>G (p.Asp1292Gly)

Gene: FBN3 (fibrillin 3; minus strand). Cytogenetic location: 19p13.2.
Variant type: single nucleotide variant.
Coding change: c.3875A>G on transcript NM_032447.5 (MANE Select); coding-DNA position 3875, A replaced by G.
Protein change: p.Asp1292Gly; replaces aspartic acid 1292 with glycine.
Molecular consequence: missense variant.
Genome position (GRCh38, 1-based): chr19:8,112,063, T>C on the plus strand (A>G on the coding strand, the complement: FBN3 is on the minus strand). VCF-style: chr19-8112063-T-C. GRCh37 (hg19) VCF-style: chr19-8176947-T-C.
Other names: c.3875A>G (NM_001321431.1); c.3875A>G, p.Asp1292Gly (NM_001321431.2); short protein forms D1292G.
Identifiers: ClinVar variation 1602604 (VCV001602604.34), dbSNP rs146679363, ClinGen allele CA9152278.